The following is an entry in ClinVar:

NM_007294.4(BRCA1):c.5338del (p.Leu1780fs)

Gene: BRCA1 (BRCA1 DNA repair associated; minus strand). Cytogenetic location: 17q21.31.
Variant type: Deletion.
Coding change: c.5338del on transcript NM_007294.4 (MANE Select); coding-DNA position 5338, one base deleted (C; older notation c.5338delC).
Protein change: p.Leu1780fs; shifts the reading frame from leucine 1780.
Molecular consequence: frameshift variant. On other transcripts: non-coding transcript variant (1), intron variant (1).
Genome position (GRCh38, 1-based): chr17:43,049,189, G deleted on the plus strand (C on the coding strand, the reverse complement: BRCA1 is on the minus strand). VCF-style (leftmost placement, unchanged base first): chr17-43049188-AG-A. GRCh37 (hg19) VCF-style: chr17-41201205-AG-A.
Other names: c.5281delC, p.Leu1761Trpfs (NM_001407648.1); c.5278delC, p.Leu1760Trpfs (NM_001407649.1); c.5260delC, p.Leu1754Trpfs (NM_001407652.1, NM_001407653.1, NM_001407654.1 and 1 more transcripts); c.5257delC, p.Leu1753Trpfs (NM_001407656.1, NM_001407657.1, NM_001407658.1); c.5254delC, p.Leu1752Trpfs (NM_001407659.1, NM_001407660.1, NM_001407661.1 and 2 more transcripts); c.5215delC, p.Leu1739Trpfs (NM_001407664.1, NM_001407665.1, NM_001407666.1 and 3 more transcripts); c.5212delC, p.Leu1738Trpfs (NM_001407670.1, NM_001407671.1, NM_001407672.1 and 8 more transcripts); c.5209delC, p.Leu1737Trpfs (NM_001407681.1, NM_001407682.1, NM_001407683.1 and 5 more transcripts); and 75 more; short protein forms L1733fs, L1801fs, L1780fs, L676fs.
Identifiers: ClinVar variation 254467 (VCV000254467.8), dbSNP rs886038045, ClinGen allele CA10586600.

ClinVar aggregate classification (germline): Pathogenic. Review status: reviewed by expert panel (3 of 4 stars). 2 submissions from 2 submitters: Pathogenic (1). 1 of the submissions does not count toward it. Last evaluated 2016-09-08.

Conditions:
Hereditary breast ovarian cancer syndrome. Also called: Hereditary breast and ovarian cancer syndrome (HBOC); Breast and ovarian cancer; Hereditary breast and ovarian cancer syndrome; Hereditary breast and ovarian cancer; BRCA1- and BRCA2-Associated Hereditary Breast and Ovarian Cancer; Hereditary breast and/or ovarian cancer syndrome. Identifiers: Orphanet 145, MedGen C0677776, MeSH D061325, MONDO:0003582. Disease mechanism: loss of function.
Breast-ovarian cancer, familial, susceptibility to, 1 (BROVCA1). Also called: BRCA1 Hereditary Breast and Ovarian Cancer; OVARIAN CANCER, SUSCEPTIBILITY TO. Identifiers: Orphanet 145, MedGen C2676676, MONDO:0011450, OMIM 604370. Disease mechanism: loss of function.

Submissions (2):

Evidence-based Network for the Interpretation of Germline Mutant Alleles (ENIGMA)
Classification: Pathogenic for Breast-ovarian cancer, familial, susceptibility to, 1. Last evaluated: 2016-09-08. Review status: reviewed by expert panel. Criteria: ENIGMA BRCA1/2 Classification Criteria (2015). Collection method: curation. Allele origin: germline.
Comment: Variant allele predicted to encode a truncated non-functional protein.

Labcorp Genetics (formerly Invitae), Labcorp
Classification: Pathogenic for Hereditary breast ovarian cancer syndrome. Last evaluated: 2022-07-15. Review status: criteria provided, single submitter. Criteria: Invitae Variant Classification Sherloc (09022015). Collection method: clinical testing. Allele origin: germline. Not counted in ClinVar's aggregate classification.
Comment: This sequence change creates a premature translational stop signal (p.Leu1780Trpfs*13) in the BRCA1 gene. It is expected to result in an absent or disrupted protein product. Loss-of-function variants in BRCA1 are known to be pathogenic (PMID: 20104584). This variant is not present in population databases (gnomAD no frequency). This variant has not been reported in the literature in individuals affected with BRCA1-related conditions. ClinVar contains an entry for this variant (Variation ID: 254467). For these reasons, this variant has been classified as Pathogenic.

Literature cited by the submitters: PubMed 20104584 (cited by Labcorp Genetics (formerly Invitae), Labcorp).